The following is an entry in ClinVar:

ClinVar aggregate classification (germline): Uncertain significance. Review status: criteria provided, multiple submitters, no conflicts (2 of 4 stars). 9 submissions from 9 submitters: Uncertain significance (9). Last evaluated 2026-09-21.

Conditions:
Hypertrophic cardiomyopathy 10. Also called: CARDIOMYOPATHY, HYPERTROPHIC, MID-LEFT VENTRICULAR CHAMBER TYPE, 2; MYL2-Related Familial Hypertrophic Cardiomyopathy. Identifiers: MedGen C1834460, MONDO:0012112, OMIM 608758.
Cardiovascular phenotype. Identifiers: MedGen CN230736.
Cardiomyopathy (CMYO). Also called: Cardiomyopathies. Identifiers: Orphanet 167848, MedGen C0878544, MONDO:0004994, HP:0001638. Inheritance: Various modes of inheritance.
Hypertrophic cardiomyopathy. Also called: HYPERTROPHIC MYOCARDIOPATHY. Identifiers: Orphanet 217569, MedGen C0007194, MeSH D002312, MONDO:0005045, HP:0001639.

Allele frequency attached by ClinVar (database versions not stated): TOPMed 0.00001.
gnomAD v4.1: 23 of 1,614,212 alleles (0.0014%); highest among the groups gnomAD compares: Middle Eastern, 0.016%; no homozygotes.

Submissions (9):

Molecular Diagnostic Laboratory for Inherited Cardiovascular Disease, Montreal Heart Institute
Classification: Uncertain significance for Cardiovascular phenotype. Last evaluated: 2026-09-21. Review status: criteria provided, single submitter. Criteria: ACMG Guidelines, 2015. Collection method: clinical testing. Allele origin: germline. Affected: yes.
Comment: PS4_supp, PM2

Labcorp Genetics (formerly Invitae), Labcorp
Classification: Uncertain significance for Hypertrophic cardiomyopathy 10. Last evaluated: 2025-12-21. Review status: criteria provided, single submitter. Criteria: Invitae Variant Classification Sherloc (09022015). Collection method: clinical testing. Allele origin: germline.
Comment: This sequence change replaces arginine, which is basic and polar, with tryptophan, which is neutral and slightly polar, at codon 120 of the MYL2 protein (p.Arg120Trp). This variant is not present in population databases (gnomAD no frequency). This missense change has been observed in individual(s) with hypertrophic cardiomyopathy (PMID: 27532257, 31737537, 36264615, 37652022). ClinVar contains an entry for this variant (Variation ID: 43471). An algorithm developed to predict the effect of missense changes on protein structure and function (PolyPhen-2) suggests that this variant is likely to be disruptive. In summary, the available evidence is currently insufficient to determine the role of this variant in disease. Therefore, it has been classified as a Variant of Uncertain Significance.

Petrovsky National Research Centre of Surgery, The Federal Agency for Scientific Organizations
Classification: Uncertain significance for Cardiomyopathy. Last evaluated: 2024-12-25. Review status: criteria provided, single submitter. Criteria: ACMG Guidelines, 2015. Collection method: research. Allele origin: unknown. Inheritance: Autosomal dominant inheritance. Affected: yes. Observed: 1 heterozygote.
Comment: Clinvar (VCV000043471.26) contains 7 entries for this variant. The variant is described in the literature in 11 patients with cardiomyopathy (PS4 LR calculator: OR=39.32). Variant NM_000432.4:c.358C>T p.(Arg120Trp) is in The Genome Aggregation Database (gnomAD) v4.1.0 with total MAF=0.00001425 (Date of access 01-23-2024). Most in silico predictors are inconclusive in the results. In accordance with ACMG(2015) criteria this variant is classified as Variant of Uncertain Significance (VUS) with following criteria selected: PS4_ Moderate, PM2

All of Us Research Program, National Institutes of Health
Classification: Uncertain significance for Hypertrophic cardiomyopathy. Last evaluated: 2024-09-23. Review status: criteria provided, single submitter. Criteria: ACMG Guidelines, 2015. Collection method: clinical testing. Allele origin: germline. Inheritance: Autosomal dominant inheritance. Observed: 7 variant alleles, 7 heterozygotes.
Comment: This missense variant replaces arginine with tryptophan at codon 120 of the MYL2 protein. Computational prediction suggests that this variant may not impact protein structure and function (internally defined REVEL score threshold <= 0.5, PMID: 27666373). To our knowledge, functional studies have not been reported for this variant. This variant has been reported in individuals affected with hypertrophic cardiomyopathy (PMID: 27532257, 31737537, 33495597). This variant has not been identified in the general population by the Genome Aggregation Database (gnomAD). The available evidence is insufficient to determine the role of this variant in disease conclusively. Therefore, this variant is classified as a Variant of Uncertain Significance.

This study involves interpretation of variants in research participants for the purpose of population health screening. Participant phenotype was not available at the time of variant classification. Additional details can be found in publication PMID: 35346344, PMCID: PMC8962531

Color Diagnostics, LLC DBA Color Health
Classification: Uncertain significance for Cardiomyopathy. Last evaluated: 2024-07-16. Review status: criteria provided, single submitter. Criteria: ACMG Guidelines, 2015. Collection method: clinical testing. Allele origin: germline.
Comment: This missense variant replaces arginine with tryptophan at codon 120 of the MYL2 protein. Computational prediction tools indicate that this variant has a neutral impact on protein structure and function. To our knowledge, functional studies have not been reported for this variant. This variant has been reported in individuals affected with hypertrophic cardiomyopathy (PMID: 27532257, 31737537, 33495597). This variant has not been identified in the general population by the Genome Aggregation Database (gnomAD). The available evidence is insufficient to determine the role of this variant in disease conclusively. Therefore, this variant is classified as a Variant of Uncertain Significance.

Revvity Omics, Revvity
Classification: Uncertain significance. Last evaluated: 2021-11-10. Review status: criteria provided, single submitter. Criteria: ACMG Guidelines, 2015. Collection method: clinical testing. Allele origin: germline.

Laboratory for Molecular Medicine, Mass General Brigham Personalized Medicine
Classification: Uncertain significance. Last evaluated: 2019-06-28. Review status: criteria provided, single submitter. Criteria: LMM Criteria. Collection method: clinical testing. Allele origin: germline. Observed: 3 variant alleles.
Comment: It was absent from large population studies. Computational prediction tools and conservation analyses do not provide strong support for or against an impact to the protein. In summary, the clinical significance of this variant is uncertain. ACMG/AMP Criteria applied: PM2.

Illumina Laboratory Services, Illumina
Classification: Uncertain significance for Hypertrophic cardiomyopathy 10. Last evaluated: 2017-04-28. Review status: criteria provided, single submitter. Criteria: ICSL Variant Classification Criteria 13 December 2019. Collection method: clinical testing. Allele origin: germline.

CHEO Genetics Diagnostic Laboratory, Children's Hospital of Eastern Ontario
Classification: Uncertain significance for Cardiomyopathy. Last evaluated: 2016-12-15. Review status: criteria provided, single submitter. Criteria: ACMG Guidelines, 2015. Collection method: clinical testing. Allele origin: germline. Study: Canadian Open Genetics Repository.

Literature cited by the submitters: PubMed 27532257 (cited by 3 submitters); PubMed 31737537 (cited by 3 submitters); PubMed 36264615 (cited by Labcorp Genetics (formerly Invitae), Labcorp); PubMed 37652022 (cited by Labcorp Genetics (formerly Invitae), Labcorp); PubMed 33495597 (cited by All of Us Research Program, National Institutes of Health and Color Diagnostics, LLC DBA Color Health).

NM_000432.4(MYL2):c.358C>T (p.Arg120Trp)

Gene: MYL2 (myosin light chain 2; minus strand). Cytogenetic location: 12q24.11.
Variant type: single nucleotide variant.
Coding change: c.358C>T on transcript NM_000432.4 (MANE Select); coding-DNA position 358, C replaced by T.
Protein change: p.Arg120Trp; replaces arginine 120 with tryptophan.
Molecular consequence: missense variant.
Genome position (GRCh38, 1-based): chr12:110,913,140, G>A on the plus strand (C>T on the coding strand, the complement: MYL2 is on the minus strand). VCF-style: chr12-110913140-G-A. GRCh37 (hg19) VCF-style: chr12-111350944-G-A.
Other names: short protein forms R120W.
Identifiers: ClinVar variation 43471 (VCV000043471.28), dbSNP rs397516404, ClinGen allele CA010200.